The following is an entry in ClinVar:

NM_000368.5(TSC1):c.3244C>G (p.Pro1082Ala)

Gene: TSC1 (TSC complex subunit 1; minus strand). Cytogenetic location: 9q34.13.
Variant type: single nucleotide variant.
Coding change: c.3244C>G on transcript NM_000368.5 (MANE Select); coding-DNA position 3244, C replaced by G.
Protein change: p.Pro1082Ala; replaces proline 1082 with alanine.
Molecular consequence: missense variant.
Genome position (GRCh38, 1-based): chr9:132,896,486, G>C on the plus strand (C>G on the coding strand, the complement: TSC1 is on the minus strand). VCF-style: chr9-132896486-G-C. GRCh37 (hg19) VCF-style: chr9-135771873-G-C.
Other names: c.3241C>G, p.Pro1081Ala (NM_001162426.2); c.3091C>G, p.Pro1031Ala (NM_001162427.2); c.2881C>G, p.Pro961Ala (NM_001362177.2); short protein forms P1082A, P1031A, P961A, P1081A.
Identifiers: ClinVar variation 411204 (VCV000411204.21), dbSNP rs1060503191, ClinGen allele CA16612731.

ClinVar aggregate classification (germline): Conflicting classifications of pathogenicity. Review status: criteria provided, conflicting classifications (1 of 4 stars). 4 submissions from 4 submitters: Uncertain significance (2); Benign (1); Likely benign (1). Last evaluated 2026-03-09.

Conditions:
Tuberous sclerosis 1 (TSC1). Identifiers: Orphanet 805, MedGen C1854465, MONDO:0008612, OMIM 191100.
Tuberous sclerosis syndrome (TSC). Also called: Tuberous Sclerosis Complex; Tuberous sclerosis. Identifiers: Orphanet 805, MedGen C0041341, MONDO:0001734.
Hereditary cancer-predisposing syndrome. Also called: Neoplastic Syndromes, Hereditary; Tumor predisposition; Hereditary neoplastic syndrome; Hereditary Cancer Syndrome. Identifiers: Orphanet 140162, MedGen C0027672, MeSH D009386, MONDO:0015356.

Allele frequency attached by ClinVar (database versions not stated): TOPMed below 0.00001.

Submissions (4):

Ambry Genetics
Classification: Likely benign for Hereditary cancer-predisposing syndrome. Last evaluated: 2026-03-09. Review status: criteria provided, single submitter. Criteria: Ambry Variant Classification Scheme 2023. Collection method: clinical testing. Allele origin: germline.

Labcorp Genetics (formerly Invitae), Labcorp
Classification: Benign for Tuberous sclerosis 1. Last evaluated: 2026-01-24. Review status: criteria provided, single submitter. Criteria: Invitae Variant Classification Sherloc (09022015). Collection method: clinical testing. Allele origin: germline.

All of Us Research Program, National Institutes of Health
Classification: Uncertain significance for Tuberous sclerosis syndrome. Last evaluated: 2024-05-09. Review status: criteria provided, single submitter. Criteria: ACMG Guidelines, 2015. Collection method: clinical testing. Allele origin: germline. Inheritance: Autosomal dominant inheritance. Observed: 4 variant alleles, 4 heterozygotes.
Comment: This missense variant replaces proline with alanine at codon 1082 of the TSC1 protein. Computational prediction is inconclusive regarding the impact of this variant on protein structure and function (internally defined REVEL score threshold 0.5 < inconclusive < 0.7, PMID: 27666373). To our knowledge, functional studies have not been reported for this variant. This variant has not been reported in individuals affected with TSC1-related disorders in the literature. This variant has not been identified in the general population by the Genome Aggregation Database (gnomAD). The available evidence is insufficient to determine the role of this variant in disease conclusively. Therefore, this variant is classified as a Variant of Uncertain Significance.

This study involves interpretation of variants in research participants for the purpose of population health screening. Participant phenotype was not available at the time of variant classification. Additional details can be found in publication PMID: 35346344, PMCID: PMC8962531

Genome-Nilou Lab
Classification: Uncertain significance for Tuberous sclerosis 1. Last evaluated: 2021-11-07. Review status: criteria provided, single submitter. Criteria: ACMG Guidelines, 2015. Collection method: clinical testing. Allele origin: germline. Affected: no.